The following is an entry in ClinVar:

NM_001182.5(ALDH7A1):c.236G>A (p.Arg79Lys)

Gene: ALDH7A1 (aldehyde dehydrogenase 7 family member A1; minus strand). Cytogenetic location: 5q23.2.
Variant type: single nucleotide variant.
Coding change: c.236G>A on transcript NM_001182.5 (MANE Select); coding-DNA position 236, G replaced by A.
Protein change: p.Arg79Lys; replaces arginine 79 with lysine.
Molecular consequence: missense variant.
Genome position (GRCh38, 1-based): chr5:126,593,361, C>T on the plus strand (G>A on the coding strand, the complement: ALDH7A1 is on the minus strand). VCF-style: chr5-126593361-C-T. GRCh37 (hg19) VCF-style: chr5-125929053-C-T.
Other names: c.152G>A, p.Arg51Lys (NM_001201377.2); c.236G>A, p.Arg79Lys (NM_001202404.2); short protein forms R79K, R51K.
Identifiers: ClinVar variation 430551 (VCV000430551.9), dbSNP rs781361567, ClinGen allele CA360733244.

ClinVar aggregate classification (germline): Uncertain significance. Review status: criteria provided, multiple submitters, no conflicts (2 of 4 stars). 3 submissions from 3 submitters: Uncertain significance (3). Last evaluated 2023-04-11.

Conditions:
Pyridoxine-dependent epilepsy (EPEO4). Also called: Pyridoxine-Dependent Epilepsy - ALDH7A1; EPILEPSY, EARLY-ONSET, 4, VITAMIN B6-DEPENDENT; Pyridoxine-Dependent Seizures; PYRIDOXINE DEPENDENCY WITH SEIZURES. Identifiers: Orphanet 3006, MedGen C1849508, MONDO:0009945, OMIM 266100. Disease mechanism: loss of function.

Allele frequency attached by ClinVar (database versions not stated): TOPMed 0.00002; gnomAD exomes below 0.00001; gnomAD 0.00001.
gnomAD v4.1: 3 of 1,611,758 alleles (0.00019%); highest among the groups gnomAD compares: African/African-American, 0.0041%; no homozygotes.

Submissions (3):

Genome-Nilou Lab
Classification: Uncertain significance for Pyridoxine-dependent epilepsy. Last evaluated: 2023-04-11. Review status: criteria provided, single submitter. Criteria: ACMG Guidelines, 2015. Collection method: clinical testing. Allele origin: germline. Affected: no.

Labcorp Genetics (formerly Invitae), Labcorp
Classification: Uncertain significance for Pyridoxine-dependent epilepsy. Last evaluated: 2022-08-22. Review status: criteria provided, single submitter. Criteria: Invitae Variant Classification Sherloc (09022015). Collection method: clinical testing. Allele origin: germline.
Comment: In summary, the available evidence is currently insufficient to determine the role of this variant in disease. Therefore, it has been classified as a Variant of Uncertain Significance. Advanced modeling of protein sequence and biophysical properties (such as structural, functional, and spatial information, amino acid conservation, physicochemical variation, residue mobility, and thermodynamic stability) performed at Invitae indicates that this missense variant is not expected to disrupt ALDH7A1 protein function. ClinVar contains an entry for this variant (Variation ID: 430551). This variant has not been reported in the literature in individuals affected with ALDH7A1-related conditions. This variant is not present in population databases (gnomAD no frequency). This sequence change replaces arginine, which is basic and polar, with lysine, which is basic and polar, at codon 79 of the ALDH7A1 protein (p.Arg79Lys).

GeneDx
Classification: Uncertain significance. Last evaluated: 2017-06-01. Review status: criteria provided, single submitter. Criteria: GeneDx Variant Classification (06012015). Collection method: clinical testing. Allele origin: germline. Affected: yes.
Comment: A variant of uncertain significance has been identified in the ALDH7A1 gene. The R79K variant has not been published as a pathogenic variant, nor has it been reported as a benign variant to our knowledge. The R79K variant is not observed in large population cohorts (Lek et al., 2016; 1000 Genomes Consortium et al., 2015; Exome Variant Server). This substitution occurs at a position that is conserved across species. However, the R79K variant is a conservative amino acid substitution, which is not likely to impact secondary protein structure as these residues share similar properties. In silico analysis is inconsistent in its predictions as to whether or not the variant is damaging to the protein structure/function. Therefore, based on the currently available information, it is unclear whether this variant is a pathogenic variant or a rare benign variant.